The following is an entry in ClinVar:

ClinVar aggregate classification (germline): Uncertain significance (1 of 4 stars; one submission).

Allele frequency attached by ClinVar (database versions not stated): gnomAD exomes below 0.00001; TOPMed below 0.00001; gnomAD 0.00001.
gnomAD v4.1: 10 of 1,613,686 alleles (0.00062%); highest among the groups gnomAD compares: East Asian, 0.0067%; no homozygotes.

Submission:

Labcorp Genetics (formerly Invitae), Labcorp
Classification: Uncertain significance. Last evaluated: 2025-12-08. Review status: criteria provided, single submitter. Criteria: Invitae Variant Classification Sherloc (09022015). Collection method: clinical testing. Allele origin: germline.
Comment: This sequence change replaces serine, which is neutral and polar, with cysteine, which is neutral and slightly polar, at codon 675 of the ENPP1 protein (p.Ser675Cys). This variant is present in population databases (no rsID available, gnomAD 0.01%). This variant has not been reported in the literature in individuals affected with ENPP1-related conditions. ClinVar contains an entry for this variant (Variation ID: 2158534). Invitae Evidence Modeling of protein sequence and biophysical properties (such as structural, functional, and spatial information, amino acid conservation, physicochemical variation, residue mobility, and thermodynamic stability) indicates that this missense variant is not expected to disrupt ENPP1 protein function with a negative predictive value of 80%. In summary, the available evidence is currently insufficient to determine the role of this variant in disease. Therefore, it has been classified as a Variant of Uncertain Significance.

NM_006208.3(ENPP1):c.2024C>G (p.Ser675Cys)

Gene: ENPP1 (ectonucleotide pyrophosphatase/phosphodiesterase 1; plus strand). Cytogenetic location: 6q23.2.
Variant type: single nucleotide variant.
Coding change: c.2024C>G on transcript NM_006208.3 (MANE Select); coding-DNA position 2024, C replaced by G.
Protein change: p.Ser675Cys; replaces serine 675 with cysteine.
Molecular consequence: missense variant.
Genome position (GRCh38, 1-based): chr6:131,879,958, C>G. VCF-style: chr6-131879958-C-G. GRCh37 (hg19) VCF-style: chr6-132201098-C-G.
Other names: short protein forms S675C.
Identifiers: ClinVar variation 2158534 (VCV002158534.4), dbSNP rs1259380914, ClinGen allele CA365653233.
Genomic context (GRCh38, chr6:131,879,958, plus strand): 5'-AAACTTTACCCTATGGAAGACCTAGAGTTCTCCAGAAGGAAAACACCATCTGTCTTCTTT[C>G]CCAGCACCAGTTTATGAGTGGATACAGCCAAGACATCTTAATGCCCCTTTGGACATCCTA-3'
Protein context (NP_006199.2, residues 665-685): LQKENTICLL[Ser675Cys]QHQFMSGYSQ